The following is an entry in ClinVar:

ClinVar aggregate classification (germline): Uncertain significance (1 of 4 stars; one submission).

Conditions:
Weaver syndrome (WVS). Also called: Weaver Smith syndrome; Overgrowth syndrome with accelerated skeletal maturation, unusual facies, and camptodactyly. Identifiers: Orphanet 3447, MedGen C0265210, MONDO:0010193, OMIM 277590.

Allele frequency attached by ClinVar (database versions not stated): gnomAD exomes below 0.00001; TOPMed below 0.00001.
gnomAD v4.1: 1 of 1,613,156 alleles (0.000062%); highest among the groups gnomAD compares: Admixed American, 0.0017%; no homozygotes.

Submission:

Labcorp Genetics (formerly Invitae), Labcorp
Classification: Uncertain significance for Weaver syndrome. Last evaluated: 2023-02-22. Review status: criteria provided, single submitter. Criteria: Invitae Variant Classification Sherloc (09022015). Collection method: clinical testing. Allele origin: germline.
Comment: In summary, the available evidence is currently insufficient to determine the role of this variant in disease. Therefore, it has been classified as a Variant of Uncertain Significance. Advanced modeling of protein sequence and biophysical properties (such as structural, functional, and spatial information, amino acid conservation, physicochemical variation, residue mobility, and thermodynamic stability) performed at Invitae indicates that this missense variant is not expected to disrupt EZH2 protein function. This variant has not been reported in the literature in individuals affected with EZH2-related conditions. This variant is not present in population databases (gnomAD no frequency). This sequence change replaces threonine, which is neutral and polar, with isoleucine, which is neutral and non-polar, at codon 80 of the EZH2 protein (p.Thr80Ile).

NM_004456.5(EZH2):c.239C>T (p.Thr80Ile)

Gene: EZH2 (enhancer of zeste 2 polycomb repressive complex 2 subunit; minus strand). Cytogenetic location: 7q36.1.
Variant type: single nucleotide variant.
Coding change: c.239C>T on transcript NM_004456.5 (MANE Select); coding-DNA position 239, C replaced by T.
Protein change: p.Thr80Ile; replaces threonine 80 with isoleucine.
Molecular consequence: missense variant. On other transcripts: intron variant (2).
Genome position (GRCh38, 1-based): chr7:148,846,477, G>A on the plus strand (C>T on the coding strand, the complement: EZH2 is on the minus strand). VCF-style: chr7-148846477-G-A. GRCh37 (hg19) VCF-style: chr7-148543569-G-A.
Other names: c.239C>T, p.Thr80Ile (NM_001203247.2, NM_152998.3); c.219+20C>T (NM_001203248.2, NM_001203249.2); short protein forms T80I.
Identifiers: ClinVar variation 2193045 (VCV002193045.4), dbSNP rs1563021305, ClinGen allele CA369708091.